The following is an entry in ClinVar:

ClinVar aggregate classification (germline): Likely benign. Review status: criteria provided, single submitter (1 of 4 stars). 2 submissions from 2 submitters: Likely benign (1). 1 of the submissions does not count toward it. Last evaluated 2024-11-26.

Conditions:
RANBP2-related disorder. Also called: RANBP2-related condition.

Allele frequency attached by ClinVar (database versions not stated): ExAC 0.00001.
gnomAD v4.1: 16 of 1,613,912 alleles (0.00099%); highest among the groups gnomAD compares: East Asian, 0.0022%; no homozygotes.

Submissions (2):

Blueprint Genetics
Classification: Likely benign. Last evaluated: 2024-11-26. Review status: criteria provided, single submitter. Criteria: ACMG Guidelines, 2015. Collection method: clinical testing. Allele origin: germline.

PreventionGenetics, part of Exact Sciences
Classification: Likely benign for RANBP2-related condition. Last evaluated: 2019-02-22. Review status: no assertion criteria provided. Collection method: clinical testing. Allele origin: germline. Not counted in ClinVar's aggregate classification.
Comment: This variant is classified as likely benign based on ACMG/AMP sequence variant interpretation guidelines (Richards et al. 2015 PMID: 25741868, with internal and published modifications).

NM_006267.5(RANBP2):c.8655C>T (p.Val2885=)

Gene: RANBP2 (RAN binding protein 2; plus strand). Cytogenetic location: 2q13.
Variant type: single nucleotide variant.
Coding change: c.8655C>T on transcript NM_006267.5 (MANE Select); coding-DNA position 8655, C replaced by T.
Protein change: p.Val2885=; no amino-acid change (valine 2885 retained).
Molecular consequence: synonymous variant.
Genome position (GRCh38, 1-based): chr2:108,781,324, C>T. VCF-style: chr2-108781324-C-T. GRCh37 (hg19) VCF-style: chr2-109397780-C-T.
Other names: c.8733C>T, p.Val2911= (NM_001415871.1); c.8652C>T, p.Val2884= (NM_001415872.1); c.8679C>T, p.Val2893= (NM_001415873.1).
Identifiers: ClinVar variation 3052873 (VCV003052873.3), dbSNP rs201471526, ClinGen allele CA1823894.